The following is an entry in ClinVar:

ClinVar aggregate classification (germline): Uncertain significance (1 of 4 stars; one submission).

Conditions:
Familial encephalopathy with neuroserpin inclusion bodies. Also called: ENCEPHALOPATHY, FAMILIAL, WITH COLLINS BODIES. Identifiers: Orphanet 85110, MedGen C1858680, MONDO:0011412, OMIM 604218.

Submission:

Labcorp Genetics (formerly Invitae), Labcorp
Classification: Uncertain significance for Familial encephalopathy with neuroserpin inclusion bodies. Last evaluated: 2022-08-09. Review status: criteria provided, single submitter. Criteria: Invitae Variant Classification Sherloc (09022015). Collection method: clinical testing. Allele origin: germline.
Comment: In summary, the available evidence is currently insufficient to determine the role of this variant in disease. Therefore, it has been classified as a Variant of Uncertain Significance. This variant has not been reported in the literature in individuals affected with SERPINI1-related conditions. This variant is a gross deletion of the genomic region encompassing exon(s) 7-9 of the SERPINI1 gene, which includes the termination codon. This deletion extends beyond the assayed region for this gene and therefore may encompass additional genes. While this deletion is not anticipated to lead to nonsense mediated decay, it is expected to alter mRNA translation or result in a truncated protein product.

NC_000003.12:g.(?_167822966)_(167825343_?)del

Gene: SERPINI1 (serpin family I member 1; plus strand). Cytogenetic location: 3q26.1.
Variant type: Deletion.
Identifiers: ClinVar variation 833189 (VCV000833189.6).